The following is an entry in ClinVar:

ClinVar aggregate classification (germline): Uncertain significance (1 of 4 stars; one submission).

Conditions:
Acrocapitofemoral dysplasia (ACFD). Identifiers: Orphanet 63446, MedGen C1843096, MONDO:0011907, OMIM 607778.

Submission:

Diagnostics Services (NGS), CSIR - Centre For Cellular And Molecular Biology
Classification: Uncertain significance for Acrocapitofemoral dysplasia. Last evaluated: 2022-05-06. Review status: criteria provided, single submitter. Criteria: ACMG Guidelines, 2015. Collection method: clinical testing. Allele origin: germline. Inheritance: Autosomal recessive inheritance. Affected: yes. Observed: 1 variant allele, 1 homozygote.
Comment: The c.217C>T variant is not present in publicly available population databases like 1000 Genomes, Exome Variant Server (EVS), Exome Aggregation Consortium (ExAC), Genome Aggregation Database (gnomAD) and Indian Exome Database. The variant is not present in our in-house exome database. The variant was not previously reported to Clinvar, HGMD and/or OMIM databases in any affected individuals. In-silico pathogenicity prediction programs like SIFT, PolyPhen-2, MutationTaster2, CADD etc. predicted this variant to be likely deleterious, however these predictions were not confirmed by any published functional studies.

Literature cited by the submitters: PubMed 12624140.

NM_002181.4(IHH):c.217C>T (p.Arg73Cys)

Gene: IHH (Indian hedgehog signaling molecule; minus strand). Cytogenetic location: 2q35.
Variant type: single nucleotide variant.
Coding change: c.217C>T on transcript NM_002181.4 (MANE Select); coding-DNA position 217, C replaced by T.
Protein change: p.Arg73Cys; replaces arginine 73 with cysteine.
Molecular consequence: missense variant.
Genome position (GRCh38, 1-based): chr2:219,060,251, G>A on the plus strand (C>T on the coding strand, the complement: IHH is on the minus strand). VCF-style: chr2-219060251-G-A. GRCh37 (hg19) VCF-style: chr2-219924973-G-A.
Other names: short protein forms R73C.
Identifiers: ClinVar variation 1691308 (VCV001691308.4), dbSNP rs2106310521, ClinGen allele CA350636947.
Genomic context (GRCh38, chr2:219,060,251, plus strand): 5'-CCTTGAAGATGATGTCTGGATTGTAATTGGGGGTGAGCTCCTTGAAGCGCTCGGAGCTGC[G>A]AGCGATCTTGCCTTCATAGCGTCCGCTGGCGCCCAGGGTCTTCTCGGGCACATTGGGGCT-3'
Protein context (NP_002172.2, residues 63-83): ASGRYEGKIA[Arg73Cys]SSERFKELTP